The following is an entry in ClinVar:

ClinVar aggregate classification (germline): Uncertain significance. Review status: criteria provided, single submitter (1 of 4 stars). 2 submissions from 2 submitters: Uncertain significance (1). 1 of the submissions does not count toward it. Last evaluated 2021-08-26.

Conditions:
Dyskeratosis congenita, autosomal recessive 5 (DKCB5). Identifiers: MedGen C3554656, MONDO:0014076, OMIM 615190.
Pulmonary fibrosis and/or bone marrow failure, Telomere-related, 3. Also called: PULMONARY FIBROSIS AND/OR BONE MARROW FAILURE SYNDROME, TELOMERE-RELATED, 3. Identifiers: Orphanet 2032, MedGen C4225346, MONDO:0014613, OMIM 616373.
Dyskeratosis congenita. Identifiers: Orphanet 1775, MedGen C0265965, MONDO:0015780.

Submissions (2):

Labcorp Genetics (formerly Invitae), Labcorp
Classification: Uncertain significance for Dyskeratosis congenita, autosomal recessive 5; Pulmonary fibrosis and/or bone marrow failure, Telomere-related, 3. Last evaluated: 2021-08-26. Review status: criteria provided, single submitter. Criteria: Invitae Variant Classification Sherloc (09022015). Collection method: clinical testing. Allele origin: germline.
Comment: This sequence change replaces proline with leucine at codon 980 of the RTEL1 protein (p.Pro980Leu). The proline residue is weakly conserved and there is a moderate physicochemical difference between proline and leucine. This variant is not present in population databases (ExAC no frequency). This variant has not been reported in the literature in individuals affected with RTEL1-related conditions. Algorithms developed to predict the effect of missense changes on protein structure and function output the following: SIFT: "Tolerated"; PolyPhen-2: "Benign"; Align-GVGD: "Class C0". The leucine amino acid residue is found in multiple mammalian species, which suggests that this missense change does not adversely affect protein function. In summary, the available evidence is currently insufficient to determine the role of this variant in disease. Therefore, it has been classified as a Variant of Uncertain Significance.

Natera, Inc.
Classification: Uncertain significance for Dyskeratosis congenita. Last evaluated: 2021-09-08. Review status: no assertion criteria provided. Collection method: clinical testing. Allele origin: germline. Not counted in ClinVar's aggregate classification.

NM_001283009.2(RTEL1):c.2939C>T (p.Pro980Leu)

Genes: RTEL1 (regulator of telomere elongation helicase 1; plus strand), RTEL1-TNFRSF6B (RTEL1-TNFRSF6B readthrough (NMD candidate); plus strand). Cytogenetic location: 20q13.33.
Variant type: single nucleotide variant.
Coding change: c.2939C>T on transcript NM_001283009.2 (MANE Select); coding-DNA position 2939, C replaced by T.
Protein change: p.Pro980Leu; replaces proline 980 with leucine.
Molecular consequence: missense variant. On other transcripts: non-coding transcript variant (1).
Genome position (GRCh38, 1-based): chr20:63,693,230, C>T. VCF-style: chr20-63693230-C-T. GRCh37 (hg19) VCF-style: chr20-62324583-C-T.
Other names: c.2270C>T, p.Pro757Leu (NM_001283010.1); c.2939C>T, p.Pro980Leu (NM_016434.4); c.3011C>T, p.Pro1004Leu (NM_032957.5); short protein forms P757L, P980L, P1004L.
Identifiers: ClinVar variation 1042018 (VCV001042018.11), dbSNP rs1340326956, ClinGen allele CA409683342.